The following is an entry in ClinVar:

NM_006397.3(RNASEH2A):c.-16T>C

Genes: RNASEH2A (ribonuclease H2 subunit A; plus strand), LOC117038795 (CRISPRi-FlowFISH-validated PRDX2 regulatory element 4; plus strand). Cytogenetic location: 19p13.13.
Variant type: single nucleotide variant.
Coding change: c.-16T>C on transcript NM_006397.3 (MANE Select); 16 bases upstream of the start codon, T replaced by C.
Molecular consequence: 5 prime UTR variant.
Genome position (GRCh38, 1-based): chr19:12,806,658, T>C. VCF-style: chr19-12806658-T-C. GRCh37 (hg19) VCF-style: chr19-12917472-T-C.
Identifiers: ClinVar variation 328288 (VCV000328288.8), dbSNP rs1046220, ClinGen allele CA9231702.

ClinVar aggregate classification (germline): Benign/Likely benign. Review status: criteria provided, multiple submitters, no conflicts (2 of 4 stars). 5 submissions from 5 submitters: Benign (4); Likely benign (1). Last evaluated 2026-01-21.

Conditions:
Aicardi-Goutieres syndrome 4. Identifiers: Orphanet 51, MedGen C1835912, MONDO:0012472, OMIM 610333.

Allele frequency attached by ClinVar (database versions not stated): 1000 Genomes Project 30x 0.01171; 1000 Genomes Project 0.01258; TOPMed 0.02721; gnomAD exomes 0.02896; ESP Exome Variant Server 0.02958; gnomAD 0.03133 and 0.03226; ExAC 0.03894.
gnomAD v4.1: 65,781 of 1,572,620 alleles (4.2%); highest among the groups gnomAD compares: Non-Finnish European, 4.9%; 1,663 homozygotes.

Submissions (5):

Women's Health and Genetics/Laboratory Corporation of America, LabCorp
Classification: Benign. Last evaluated: 2026-01-21. Review status: criteria provided, single submitter. Criteria: LabCorp Variant Classification Summary - May 2015. Collection method: clinical testing. Allele origin: germline.

Blueprint Genetics
Classification: Likely benign. Last evaluated: 2024-11-28. Review status: criteria provided, single submitter. Criteria: ACMG Guidelines, 2015. Collection method: clinical testing. Allele origin: germline.

Illumina Laboratory Services, Illumina
Classification: Benign for Aicardi-Goutieres syndrome 4. Last evaluated: 2018-01-13. Review status: criteria provided, single submitter. Criteria: ICSL Variant Classification Criteria 13 December 2019. Collection method: clinical testing. Allele origin: germline.
Comment: This variant was observed in the ICSL laboratory as part of a predisposition screen in an ostensibly healthy population. It had not been previously curated by ICSL or reported in the Human Gene Mutation Database (HGMD: prior to June 1st, 2018), and was therefore a candidate for classification through an automated scoring system. Utilizing variant allele frequency, disease prevalence and penetrance estimates, and inheritance mode, an automated score was calculated to assess if this variant is too frequent to cause the disease. Based on the score and internal cut-off values, a variant classified as benign is not then subjected to further curation. The score for this variant resulted in a classification of benign for this disease.

GeneDx
Classification: Benign. Last evaluated: 2017-11-07. Review status: criteria provided, single submitter. Criteria: GeneDx Variant Classification (06012015). Collection method: clinical testing. Allele origin: germline. Affected: yes.
Comment: This variant is considered likely benign or benign based on one or more of the following criteria: it is a conservative change, it occurs at a poorly conserved position in the protein, it is predicted to be benign by multiple in silico algorithms, and/or has population frequency not consistent with disease.

Breakthrough Genomics
Classification: Benign. Review status: criteria provided, single submitter. Criteria: ACMG Guidelines, 2015. Collection method: not provided. Allele origin: germline. Inheritance: Autosomal recessive inheritance. Affected: yes.